The following is an entry in ClinVar:

NM_001040431.3(COA3):c.190A>G (p.Ile64Val)

Gene: COA3 (cytochrome c oxidase assembly factor 3; minus strand). Cytogenetic location: 17q21.2.
Variant type: single nucleotide variant.
Coding change: c.190A>G on transcript NM_001040431.3 (MANE Select); coding-DNA position 190, A replaced by G.
Protein change: p.Ile64Val; replaces isoleucine 64 with valine.
Molecular consequence: missense variant.
Genome position (GRCh38, 1-based): chr17:42,798,492, T>C on the plus strand (A>G on the coding strand, the complement: COA3 is on the minus strand). VCF-style: chr17-42798492-T-C. GRCh37 (hg19) VCF-style: chr17-40950510-T-C.
Other names: short protein forms I64V.
Identifiers: ClinVar variation 3625535 (VCV003625535.2).
Genomic context (GRCh38, chr17:42,798,492, plus strand): 5'-ATGCGGTCCCCTTGAGTCTACAACACGGACGGATACAAATAGCCAACACCAGGGCCCCGA[T>C]GCCTAGGCCGGTCACGATGTTCCGGGTTCGCCGCCGTGGTAGGACCTTCTGCCACTGGGC-3'
Protein context (NP_001035521.1, residues 54-74): RTRNIVTGLG[Ile64Val]GALVLAIYGY

ClinVar aggregate classification (germline): Uncertain significance (1 of 4 stars; one submission).

Submission:

Labcorp Genetics (formerly Invitae), Labcorp
Classification: Uncertain significance. Last evaluated: 2024-03-21. Review status: criteria provided, single submitter. Criteria: Invitae Variant Classification Sherloc (09022015). Collection method: clinical testing. Allele origin: germline.
Comment: This sequence change replaces isoleucine, which is neutral and non-polar, with valine, which is neutral and non-polar, at codon 64 of the COA3 protein (p.Ile64Val). This variant is present in population databases (rs747978379, gnomAD 0.006%). This variant has not been reported in the literature in individuals affected with COA3-related conditions. An algorithm developed to predict the effect of missense changes on protein structure and function (PolyPhen-2) suggests that this variant is likely to be tolerated. In summary, the available evidence is currently insufficient to determine the role of this variant in disease. Therefore, it has been classified as a Variant of Uncertain Significance.